The following is an entry in ClinVar:

ClinVar aggregate classification (germline): Uncertain significance. Review status: criteria provided, multiple submitters, no conflicts (2 of 4 stars). 2 submissions from 2 submitters: Uncertain significance (2). Last evaluated 2025-08-08.

Conditions:
Primary ciliary dyskinesia. Also called: Ciliary dyskinesia. Identifiers: Orphanet 244, MedGen C0008780, MONDO:0016575, HP:0012265.

Allele frequency attached by ClinVar (database versions not stated): gnomAD exomes below 0.00001; gnomAD 0.00002; TOPMed 0.00005.
gnomAD v4.1: 9 of 1,610,318 alleles (0.00056%); highest among the groups gnomAD compares: Admixed American, 0.0084%; no homozygotes.

Submissions (2):

Ambry Genetics
Classification: Uncertain significance. Last evaluated: 2025-08-08. Review status: criteria provided, single submitter. Criteria: Ambry Variant Classification Scheme 2023. Collection method: clinical testing. Allele origin: germline.

Labcorp Genetics (formerly Invitae), Labcorp
Classification: Uncertain significance for Primary ciliary dyskinesia. Last evaluated: 2021-12-27. Review status: criteria provided, single submitter. Criteria: Invitae Variant Classification Sherloc (09022015). Collection method: clinical testing. Allele origin: germline.
Comment: This sequence change replaces methionine, which is neutral and non-polar, with valine, which is neutral and non-polar, at codon 3802 of the DNAH8 protein (p.Met3802Val). This variant is present in population databases (no rsID available, gnomAD no frequency). This variant has not been reported in the literature in individuals affected with DNAH8-related conditions. Algorithms developed to predict the effect of missense changes on protein structure and function output the following: SIFT: "Deleterious"; PolyPhen-2: "Not Available"; Align-GVGD: "Class C0". The valine amino acid residue is found in multiple mammalian species, which suggests that this missense change does not adversely affect protein function. Algorithms developed to predict the effect of sequence changes on RNA splicing suggest that this variant may create or strengthen a splice site. In summary, the available evidence is currently insufficient to determine the role of this variant in disease. Therefore, it has been classified as a Variant of Uncertain Significance.

NM_001206927.2(DNAH8):c.11404A>G (p.Met3802Val)

Genes: DNAH8 (dynein axonemal heavy chain 8; plus strand), DNAH8-AS1 (DNAH8 antisense RNA 1; minus strand). Cytogenetic location: 6p21.2.
Variant type: single nucleotide variant.
Coding change: c.11404A>G on transcript NM_001206927.2 (MANE Select); coding-DNA position 11404, A replaced by G.
Protein change: p.Met3802Val; replaces methionine 3802 with valine.
Molecular consequence: missense variant.
Genome position (GRCh38, 1-based): chr6:38,931,940, A>G. VCF-style: chr6-38931940-A-G. GRCh37 (hg19) VCF-style: chr6-38899716-A-G.
Other names: c.11404A>G (NM_001206927.1); c.10753A>G, p.Met3585Val (NM_001371.4); short protein forms M3585V, M3802V.
Identifiers: ClinVar variation 2201360 (VCV002201360.2), dbSNP rs940339061, ClinGen allele CA137593247.
Genomic context (GRCh38, chr6:38,931,940, plus strand): 5'-AATCCTGCCTTTACCCCAGAGATTAATGCTAAAACGTCAGTCATTGATTTCACTGTTACA[A>G]TGAAAGGACTTGAGAATCAGTTACTAAGGAGAGTCATTCTAACAGAGAAACAGGTAATCT-3'
Protein context (NP_001193856.1, residues 3792-3812): KTSVIDFTVT[Met3802Val]KGLENQLLRR